The following is an entry in ClinVar:

NM_001042492.3(NF1):c.2408A>C (p.Gln803Pro)

Gene: NF1 (neurofibromin 1; plus strand). Cytogenetic location: 17q11.2.
Variant type: single nucleotide variant.
Coding change: c.2408A>C on transcript NM_001042492.3 (MANE Select); coding-DNA position 2408, A replaced by C.
Protein change: p.Gln803Pro; replaces glutamine 803 with proline.
Molecular consequence: missense variant.
Genome position (GRCh38, 1-based): chr17:31,227,605, A>C. VCF-style: chr17-31227605-A-C. GRCh37 (hg19) VCF-style: chr17-29554623-A-C.
Other names: c.2408A>C, p.Gln803Pro (NM_000267.4); short protein forms Q803P.
Identifiers: ClinVar variation 1790823 (VCV001790823.8), dbSNP rs786202976, ClinGen allele CA398983332.

ClinVar aggregate classification (germline): Uncertain significance. Review status: criteria provided, multiple submitters, no conflicts (2 of 4 stars). 3 submissions from 3 submitters: Uncertain significance (3). Last evaluated 2026-02-05.

Conditions:
Neurofibromatosis, type 1 (NF1). Also called: Peripheral type neurofibromatosis; VON RECKLINGHAUSEN DISEASE; Neurofibromatosis, type I; NEUROFIBROMATOSIS, TYPE I, SOMATIC. Identifiers: Orphanet 636, MedGen C0027831, MONDO:0018975, OMIM 162200. Disease mechanism: loss of function.
Hereditary cancer-predisposing syndrome. Also called: Hereditary neoplastic syndrome; Neoplastic Syndromes, Hereditary; Tumor predisposition; Hereditary Cancer Syndrome. Identifiers: Orphanet 140162, MedGen C0027672, MeSH D009386, MONDO:0015356.
Cardiovascular phenotype. Identifiers: MedGen CN230736.

Submissions (3):

GeneDx
Classification: Uncertain significance. Last evaluated: 2026-02-05. Review status: criteria provided, single submitter. Criteria: GeneDx Variant Classification Process June 2021. Collection method: clinical testing. Allele origin: germline.
Comment: Not observed at significant frequency in large population cohorts (gnomAD); In silico analysis supports that this missense variant has a deleterious effect on protein structure/function; Has not been previously published as pathogenic or benign to our knowledge; This variant is associated with the following publications: (PMID: 25486365)

Ambry Genetics
Classification: Uncertain significance for Cardiovascular phenotype; Hereditary cancer-predisposing syndrome. Last evaluated: 2025-05-05. Review status: criteria provided, single submitter. Criteria: Ambry Variant Classification Scheme 2023. Collection method: clinical testing. Allele origin: germline.
Comment: The p.Q803P variant (also known as c.2408A>C), located in coding exon 20 of the NF1 gene, results from an A to C substitution at nucleotide position 2408. The glutamine at codon 803 is replaced by proline, an amino acid with similar properties. This amino acid position is highly conserved in available vertebrate species. In addition, the in silico prediction for this alteration is inconclusive. Based on the available evidence, the clinical significance of this variant remains unclear.

Labcorp Genetics (formerly Invitae), Labcorp
Classification: Uncertain significance for Neurofibromatosis, type 1. Last evaluated: 2023-06-15. Review status: criteria provided, single submitter. Criteria: Invitae Variant Classification Sherloc (09022015). Collection method: clinical testing. Allele origin: germline.
Comment: In summary, the available evidence is currently insufficient to determine the role of this variant in disease. Therefore, it has been classified as a Variant of Uncertain Significance. An algorithm developed to predict the effect of missense changes on protein structure and function (PolyPhen-2) suggests that this variant is likely to be tolerated. ClinVar contains an entry for this variant (Variation ID: 1790823). This variant has not been reported in the literature in individuals affected with NF1-related conditions. This variant is not present in population databases (gnomAD no frequency). This sequence change replaces glutamine, which is neutral and polar, with proline, which is neutral and non-polar, at codon 803 of the NF1 protein (p.Gln803Pro).